The following is an entry in ClinVar:

NM_001036.6(RYR3):c.8773A>G (p.Met2925Val)

Gene: RYR3 (ryanodine receptor 3; plus strand). Cytogenetic location: 15q14.
Variant type: single nucleotide variant.
Coding change: c.8773A>G on transcript NM_001036.6 (MANE Select); coding-DNA position 8773, A replaced by G.
Protein change: p.Met2925Val; replaces methionine 2925 with valine.
Molecular consequence: missense variant.
Genome position (GRCh38, 1-based): chr15:33,769,129, A>G. VCF-style: chr15-33769129-A-G. GRCh37 (hg19) VCF-style: chr15-34061330-A-G.
Other names: c.8773A>G, p.Met2925Val (NM_001243996.4); c.8773A>G (NM_001036.3); short protein forms M2925V.
Identifiers: ClinVar variation 940715 (VCV000940715.7), dbSNP rs778795375, ClinGen allele CA7460333.

ClinVar aggregate classification (germline): Uncertain significance. Review status: criteria provided, multiple submitters, no conflicts (2 of 4 stars). 3 submissions from 3 submitters: Uncertain significance (3). Last evaluated 2024-03-25.

Conditions:
Epileptic encephalopathy. Identifiers: MedGen C0543888, HP:0200134.

Allele frequency attached by ClinVar (database versions not stated): gnomAD exomes 0.00001 and 0.00002; ExAC 0.00002; TOPMed 0.00002; gnomAD 0.00003.
gnomAD v4.1: 27 of 1,613,406 alleles (0.0017%); highest among the groups gnomAD compares: Middle Eastern, 0.033%; no homozygotes.

Submissions (3):

Ambry Genetics
Classification: Uncertain significance. Last evaluated: 2024-03-25. Review status: criteria provided, single submitter. Criteria: Ambry Variant Classification Scheme 2023. Collection method: clinical testing. Allele origin: germline.

Blueprint Genetics
Classification: Uncertain significance. Last evaluated: 2021-12-07. Review status: criteria provided, single submitter. Criteria: ACMG Guidelines, 2015. Collection method: clinical testing. Allele origin: germline.

Labcorp Genetics (formerly Invitae), Labcorp
Classification: Uncertain significance for Epileptic encephalopathy. Last evaluated: 2021-08-27. Review status: criteria provided, single submitter. Criteria: Invitae Variant Classification Sherloc (09022015). Collection method: clinical testing. Allele origin: germline.
Comment: This sequence change replaces methionine with valine at codon 2925 of the RYR3 protein (p.Met2925Val). The methionine residue is highly conserved and there is a small physicochemical difference between methionine and valine. This variant is present in population databases (rs778795375, ExAC 0.02%). This variant has not been reported in the literature in individuals affected with RYR3-related conditions. Algorithms developed to predict the effect of missense changes on protein structure and function are either unavailable or do not agree on the potential impact of this missense change (SIFT: "Deleterious"; PolyPhen-2: "Benign"; Align-GVGD: "Class C0"). In summary, the available evidence is currently insufficient to determine the role of this variant in disease. Therefore, it has been classified as a Variant of Uncertain Significance.